The following is an entry in ClinVar:

ClinVar aggregate classification (germline): Conflicting classifications of pathogenicity. Review status: criteria provided, conflicting classifications (1 of 4 stars). 2 submissions from 2 submitters: Uncertain significance (1); Likely benign (1). Last evaluated 2024-10-29.

Conditions:
Hereditary cancer-predisposing syndrome. Also called: Neoplastic Syndromes, Hereditary; Hereditary neoplastic syndrome; Tumor predisposition; Hereditary Cancer Syndrome. Identifiers: Orphanet 140162, MedGen C0027672, MeSH D009386, MONDO:0015356.
Familial cancer of breast. Also called: Hereditary breast cancer; BREAST CANCER, FAMILIAL; hereditary breast carcinoma. Identifiers: Orphanet 227535, MedGen C0346153, MONDO:0016419, OMIM 114480. Disease mechanism: loss of function.
Fanconi anemia complementation group J. Also called: BRIP1-Related Fanconi Anemia. Identifiers: Orphanet 84, MedGen C1836860, MONDO:0012187, OMIM 609054.

Allele frequency attached by ClinVar (database versions not stated): TOPMed below 0.00001; gnomAD exomes below 0.00001.
gnomAD v4.1: 1 of 1,611,816 alleles (0.000062%); highest among the groups gnomAD compares: Admixed American, 0.0017%; no homozygotes.

Submissions (2):

Ambry Genetics
Classification: Likely benign for Hereditary cancer-predisposing syndrome. Last evaluated: 2024-10-29. Review status: criteria provided, single submitter. Criteria: Ambry Variant Classification Scheme 2023. Collection method: clinical testing. Allele origin: germline.

Labcorp Genetics (formerly Invitae), Labcorp
Classification: Uncertain significance for Familial cancer of breast; Fanconi anemia complementation group J. Last evaluated: 2024-08-15. Review status: criteria provided, single submitter. Criteria: Invitae Variant Classification Sherloc (09022015). Collection method: clinical testing. Allele origin: germline.
Comment: This sequence change replaces isoleucine, which is neutral and non-polar, with threonine, which is neutral and polar, at codon 1229 of the BRIP1 protein (p.Ile1229Thr). This variant is present in population databases (no rsID available, gnomAD 0.003%). This variant has not been reported in the literature in individuals affected with BRIP1-related conditions. ClinVar contains an entry for this variant (Variation ID: 665957). An algorithm developed to predict the effect of missense changes on protein structure and function outputs the following: PolyPhen-2: "Benign". The threonine amino acid residue is found in multiple mammalian species, which suggests that this missense change does not adversely affect protein function. In summary, the available evidence is currently insufficient to determine the role of this variant in disease. Therefore, it has been classified as a Variant of Uncertain Significance.

NM_032043.3(BRIP1):c.3686T>C (p.Ile1229Thr)

Gene: BRIP1 (BRCA1 interacting DNA helicase 1; minus strand). Cytogenetic location: 17q23.2.
Variant type: single nucleotide variant.
Coding change: c.3686T>C on transcript NM_032043.3 (MANE Select); coding-DNA position 3686, T replaced by C.
Protein change: p.Ile1229Thr; replaces isoleucine 1229 with threonine.
Molecular consequence: missense variant.
Genome position (GRCh38, 1-based): chr17:61,683,360, A>G on the plus strand (T>C on the coding strand, the complement: BRIP1 is on the minus strand). VCF-style: chr17-61683360-A-G. GRCh37 (hg19) VCF-style: chr17-59760721-A-G.
Other names: short protein forms I1229T.
Identifiers: ClinVar variation 665957 (VCV000665957.10), dbSNP rs1157058742, ClinGen allele CA400477824.